The following is an entry in ClinVar:

ClinVar aggregate classification (germline): Uncertain significance (1 of 4 stars; one submission).

Conditions:
Dextro-looped transposition of the great arteries. Also called: Dextrotransposition of the great arteries. Identifiers: Orphanet 860, MedGen C3531771, MONDO:0019443, OMIM 608808, HP:0031348.

Allele frequency attached by ClinVar (database versions not stated): gnomAD exomes below 0.00001; ExAC 0.00001.
gnomAD v4.1: 1 of 1,613,978 alleles (0.000062%); highest among the groups gnomAD compares: Non-Finnish European, 0.000085%; no homozygotes.

Submission:

Labcorp Genetics (formerly Invitae), Labcorp
Classification: Uncertain significance for Dextro-looped transposition of the great arteries. Last evaluated: 2022-01-16. Review status: criteria provided, single submitter. Criteria: Invitae Variant Classification Sherloc (09022015). Collection method: clinical testing. Allele origin: germline.
Comment: This variant has not been reported in the literature in individuals affected with MED13L-related conditions. This variant is present in population databases (rs758431231, gnomAD 0.0009%). This sequence change replaces lysine, which is basic and polar, with glutamine, which is neutral and polar, at codon 937 of the MED13L protein (p.Lys937Gln). Advanced modeling of protein sequence and biophysical properties (such as structural, functional, and spatial information, amino acid conservation, physicochemical variation, residue mobility, and thermodynamic stability) performed at Invitae indicates that this missense variant is not expected to disrupt MED13L protein function. In summary, the available evidence is currently insufficient to determine the role of this variant in disease. Therefore, it has been classified as a Variant of Uncertain Significance.

NM_015335.5(MED13L):c.2809A>C (p.Lys937Gln)

Gene: MED13L (mediator complex subunit 13L; minus strand). Cytogenetic location: 12q24.21.
Variant type: single nucleotide variant.
Coding change: c.2809A>C on transcript NM_015335.5 (MANE Select); coding-DNA position 2809, A replaced by C.
Protein change: p.Lys937Gln; replaces lysine 937 with glutamine.
Molecular consequence: missense variant.
Genome position (GRCh38, 1-based): chr12:115,996,663, T>G on the plus strand (A>C on the coding strand, the complement: MED13L is on the minus strand). VCF-style: chr12-115996663-T-G. GRCh37 (hg19) VCF-style: chr12-116434468-T-G.
Other names: short protein forms K937Q.
Identifiers: ClinVar variation 1926013 (VCV001926013.5), dbSNP rs758431231, ClinGen allele CA6811093.